The following is an entry in ClinVar:

NM_002335.4(LRP5):c.2517C>T (p.Val839=)

Gene: LRP5 (LDL receptor related protein 5; plus strand). Cytogenetic location: 11q13.2.
Variant type: single nucleotide variant.
Coding change: c.2517C>T on transcript NM_002335.4 (MANE Select); coding-DNA position 2517, C replaced by T.
Protein change: p.Val839=; no amino-acid change (valine 839 retained).
Molecular consequence: synonymous variant.
Genome position (GRCh38, 1-based): chr11:68,413,702, C>T. VCF-style: chr11-68413702-C-T. GRCh37 (hg19) VCF-style: chr11-68181170-C-T.
Other names: c.774C>T, p.Val258= (NM_001291902.2); c.2517C>T (NM_002335.3).
Identifiers: ClinVar variation 1668415 (VCV001668415.11), dbSNP rs375223225, ClinGen allele CA6149674.

ClinVar aggregate classification (germline): Likely benign. Review status: criteria provided, multiple submitters, no conflicts (2 of 4 stars). 4 submissions from 4 submitters: Likely benign (4). Last evaluated 2025-09-04.

Conditions:
LRP5-related disorder. Also called: LRP5-related condition.

Allele frequency attached by ClinVar (database versions not stated): ExAC 0.00005; TOPMed 0.00005; gnomAD 0.00006; gnomAD exomes 0.00006; ESP Exome Variant Server 0.00008; 1000 Genomes Project 30x 0.00016; 1000 Genomes Project 0.00020.
gnomAD v4.1: 92 of 1,613,724 alleles (0.0057%); highest among the groups gnomAD compares: Admixed American, 0.0067%; no homozygotes.

Submissions (4):

PreventionGenetics, part of Exact Sciences
Classification: Likely benign for LRP5-related condition. Last evaluated: 2025-09-04. Review status: criteria provided, single submitter. Criteria: ACMG Guidelines, 2015. Collection method: clinical testing. Allele origin: germline.
Comment: This variant is classified as likely benign based on ACMG/AMP sequence variant interpretation guidelines (Richards et al. 2015 PMID: 25741868, with internal and published modifications).

Labcorp Genetics (formerly Invitae), Labcorp
Classification: Likely benign. Last evaluated: 2025-06-01. Review status: criteria provided, single submitter. Criteria: Invitae Variant Classification Sherloc (09022015). Collection method: clinical testing. Allele origin: germline.

Blueprint Genetics
Classification: Likely benign. Last evaluated: 2024-05-22. Review status: criteria provided, single submitter. Criteria: ACMG Guidelines, 2015. Collection method: clinical testing. Allele origin: germline.

Breakthrough Genomics
Classification: Likely benign. Review status: criteria provided, single submitter. Criteria: ACMG Guidelines, 2015. Collection method: not provided. Allele origin: germline. Inheritance: Autosomal recessive inheritance. Affected: yes.